The following is an entry in ClinVar:

ClinVar aggregate classification (germline): Pathogenic/Likely pathogenic. Review status: criteria provided, multiple submitters, no conflicts (2 of 4 stars). 4 submissions from 4 submitters: Pathogenic (2); Likely pathogenic (1). 1 of the submissions does not count toward it. Last evaluated 2023-03-27.

Conditions:
Hereditary cancer-predisposing syndrome. Also called: Tumor predisposition; Hereditary neoplastic syndrome; Neoplastic Syndromes, Hereditary; Hereditary Cancer Syndrome. Identifiers: Orphanet 140162, MedGen C0027672, MeSH D009386, MONDO:0015356.
Lynch syndrome 5 (LYNCH5). Also called: Colorectal cancer, hereditary nonpolyposis, type 5; Hereditary non-polyposis colorectal cancer, type 5. Identifiers: Orphanet 144, MedGen C1833477, MONDO:0013710, OMIM 614350. Disease mechanism: loss of function.
Endometrial carcinoma. Also called: Endometrial carcinoma, somatic. Identifiers: MedGen C0476089, MONDO:0002447, OMIM 608089, HP:0012114.

Submissions (4):

Myriad Genetics, Inc.
Classification: Pathogenic for Lynch syndrome 5. Last evaluated: 2023-03-27. Review status: criteria provided, single submitter. Criteria: Myriad Autosomal Dominant, Autosomal Recessive and X-Linked Classification Criteria (2023). Collection method: clinical testing. Allele origin: unknown.
Comment: This variant is considered pathogenic. This variant creates a frameshift predicted to result in premature protein truncation.

Ambry Genetics
Classification: Pathogenic for Hereditary cancer-predisposing syndrome. Last evaluated: 2021-09-03. Review status: criteria provided, single submitter. Criteria: Ambry Variant Classification Scheme 2023. Collection method: clinical testing. Allele origin: germline.
Comment: The c.3215_3222delGTCCTATG pathogenic mutation, located in coding exon 5 of the MSH6 gene, results from a deletion of 8 nucleotides at nucleotide positions 3215 to 3222, causing a translational frameshift with a predicted alternate stop codon (p.G1072Vfs*18). This variant is considered to be rare based on population cohorts in the Genome Aggregation Database (gnomAD). This alteration is expected to result in loss of function by premature protein truncation or nonsense-mediated mRNA decay. As such, this alteration is interpreted as a disease-causing mutation.

Baylor Genetics
Classification: Likely pathogenic for Endometrial carcinoma. Last evaluated: 2021-08-26. Review status: criteria provided, single submitter. Criteria: ACMG Guidelines, 2015. Collection method: clinical testing. Allele origin: unknown.

Counsyl
Classification: Likely pathogenic for Lynch syndrome 5. Last evaluated: 2016-02-10. Review status: no assertion criteria provided. Collection method: clinical testing. Allele origin: unknown. Not counted in ClinVar's aggregate classification.

NM_000179.3(MSH6):c.3215_3222del (p.Gly1072fs)

Gene: MSH6 (mutS homolog 6; plus strand). Cytogenetic location: 2p16.3.
Variant type: Deletion.
Coding change: c.3215_3222del on transcript NM_000179.3 (MANE Select); coding-DNA positions 3215 to 3222, 8 bases deleted (GTCCTATG; older notation c.3215_3222delGTCCTATG).
Protein change: p.Gly1072fs; shifts the reading frame from glycine 1072.
Molecular consequence: frameshift variant.
Genome position (GRCh38, 1-based): chr2:47,803,462-47,803,469, GTCCTATG deleted; deleting any 8 consecutive bases within chr2:47,803,459-47,803,469 gives the same sequence; the c. name uses the placement nearest the transcript's 3' end. VCF-style (leftmost placement, unchanged base first): chr2-47803458-GATGGTCCT-G. GRCh37 (hg19) VCF-style: chr2-48030597-GATGGTCCT-G.
Other names: c.2825_2832del, p.Gly942fs (NM_001281492.2); c.2309_2316del, p.Gly770fs (NM_001281493.2, NM_001281494.2); c.3215_3222del8 (NM_000179.2); short protein forms G942fs, G1072fs, G770fs.
Identifiers: ClinVar variation 371822 (VCV000371822.7), dbSNP rs1057517552, ClinGen allele CA16042061.
Genomic context (GRCh38, chr2:47,803,458, plus strand): 5'-CTTTTACCCTCTCTTTTAACAGATGTTTTACTGTGCCTGGCTAACTATAGTCGAGGGGGT[GATGGTCCT>G]ATGTGTCGCCCAGTAATTCTGTTGCCGGAAGATACCCCCCCCTTCTTAGAGCTTAAAGGA-3'